The following is an entry in ClinVar:

ClinVar aggregate classification (germline): Uncertain significance. Review status: criteria provided, multiple submitters, no conflicts (2 of 4 stars). 5 submissions from 5 submitters: Uncertain significance (5). Last evaluated 2025-11-05.

Conditions:
Cardiovascular phenotype. Identifiers: MedGen CN230736.
Dilated cardiomyopathy 1Z (CMD1Z). Identifiers: Orphanet 154, MedGen C2678475, MONDO:0012745, OMIM 611879.
Hypertrophic cardiomyopathy 13. Also called: TNNC1-Related Familial Hypertrophic Cardiomyopathy. Identifiers: MedGen C2750472, MONDO:0013195, OMIM 613243.

Allele frequency attached by ClinVar (database versions not stated): gnomAD 0.00001; gnomAD exomes 0.00001; TOPMed 0.00002.
gnomAD v4.1: 17 of 1,614,046 alleles (0.0011%); highest among the groups gnomAD compares: Non-Finnish European, 0.0014%; no homozygotes.

Submissions (5):

Labcorp Genetics (formerly Invitae), Labcorp
Classification: Uncertain significance for Hypertrophic cardiomyopathy 13; Dilated cardiomyopathy 1Z. Last evaluated: 2025-11-05. Review status: criteria provided, single submitter. Criteria: Invitae Variant Classification Sherloc (09022015). Collection method: clinical testing. Allele origin: germline.
Comment: This sequence change replaces glutamic acid, which is acidic and polar, with aspartic acid, which is acidic and polar, at codon 134 of the TNNC1 protein (p.Glu134Asp). This variant is present in population databases (rs397516847, gnomAD 0.007%). This missense change has been observed in individual(s) with hypertrophic cardiomyopathy (HCM) (PMID: 18572189). ClinVar contains an entry for this variant (Variation ID: 44681). An algorithm developed to predict the effect of missense changes on protein structure and function (PolyPhen-2) suggests that this variant is likely to be disruptive. Experimental studies have shown that this missense change does not substantially affect TNNC1 function (PMID: 18572189, 19439414, 21056975, 22489623). This variant disrupts the p.Glu134 amino acid residue in TNNC1. Other variant(s) that disrupt this residue have been observed in individuals with TNNC1-related conditions (internal data), which suggests that this may be a clinically significant amino acid residue. In summary, the available evidence is currently insufficient to determine the role of this variant in disease. Therefore, it has been classified as a Variant of Uncertain Significance.

AiLife Diagnostics
Classification: Uncertain significance. Last evaluated: 2021-09-01. Review status: criteria provided, single submitter. Criteria: ACMG Guidelines, 2015. Collection method: clinical testing. Allele origin: germline. Affected: yes. Observed: 1 variant allele.

GeneDx
Classification: Uncertain significance. Last evaluated: 2020-12-31. Review status: criteria provided, single submitter. Criteria: GeneDx Variant Classification Process June 2021. Collection method: clinical testing. Allele origin: germline. Affected: yes.
Comment: Not observed at a significant frequency in large population cohorts (Lek et al., 2016); In silico analysis supports that this missense variant does not alter protein structure/function; This variant is associated with the following publications: (PMID: 28473771, 24817852, 23610579, 20459070, 22489623, 19439414, 21056975, 18572189, 29203298)

Ambry Genetics
Classification: Uncertain significance for Cardiovascular phenotype. Last evaluated: 2019-12-08. Review status: criteria provided, single submitter. Criteria: Ambry Variant Classification Scheme 2023. Collection method: clinical testing. Allele origin: germline.

Laboratory for Molecular Medicine, Mass General Brigham Personalized Medicine
Classification: Uncertain significance. Last evaluated: 2012-11-14. Review status: criteria provided, single submitter. Criteria: LMM Criteria. Collection method: clinical testing. Allele origin: germline. Observed: 1 variant allele.
Comment: In addition, this variant was absent from large and broad Europe an American and African American populations screened by the NHLBI Exome Sequenc ing Project, though this low frequency is in sufficient to assess its clinical significance. The affected amino acid is not c onserved in distant species with several (lamprey, fruitfly, and sea squirt) nat urally carrying the variant amino acid. This suggests that this change may be t olerated but is not predictive enough to rule out pathogenicity. Finally, functi onal studies showed a minimal or no impact of the variant, also arguing against a highly penetrant effect (Pinto 2009, Swindle 2010, Albury 2012). In summary, t he available data is inconclusive and additional information is needed to fully assess the clinical significance of this variant.

Literature cited by the submitters: PubMed 18572189 (cited by 3 submitters); PubMed 19439414 (cited by 3 submitters); PubMed 21056975 (cited by Labcorp Genetics (formerly Invitae), Labcorp and AiLife Diagnostics); PubMed 22489623 (cited by 3 submitters); PubMed 20459070 (cited by AiLife Diagnostics and Laboratory for Molecular Medicine, Mass General Brigham Personalized Medicine).

NM_003280.3(TNNC1):c.402G>T (p.Glu134Asp)

Gene: TNNC1 (troponin C1, slow skeletal and cardiac type; minus strand). Cytogenetic location: 3p21.1.
Variant type: single nucleotide variant.
Coding change: c.402G>T on transcript NM_003280.3 (MANE Select); coding-DNA position 402, G replaced by T.
Protein change: p.Glu134Asp; replaces glutamic acid 134 with aspartic acid.
Molecular consequence: missense variant.
Genome position (GRCh38, 1-based): chr3:52,451,443, C>A on the plus strand (G>T on the coding strand, the complement: TNNC1 is on the minus strand). VCF-style: chr3-52451443-C-A. GRCh37 (hg19) VCF-style: chr3-52485459-C-A.
Other names: p.E134D:GAG>GAT; short protein forms E134D.
Identifiers: ClinVar variation 44681 (VCV000044681.12), dbSNP rs397516847, ClinGen allele CA134855.
Genomic context (GRCh38, chr3:52,451,443, plus strand): 5'-CCGCTTACCATCATAGTCGATGCGGCCGTCGTTGTTCTTGTCTCCGTCCTTCATGAGCTC[C>A]TCGATGTCGTCCTCCGTGATGGTCTCGCCTGTAGCCTGCAGCATTATCTTCAGCTCATCC-3'
Protein context (NP_003271.1, residues 124-144): TGETITEDDI[Glu134Asp]ELMKDGDKNN